The following is an entry in ClinVar:

NM_032447.5(FBN3):c.3329C>T (p.Ala1110Val)

Gene: FBN3 (fibrillin 3; minus strand). Cytogenetic location: 19p13.2.
Variant type: single nucleotide variant.
Coding change: c.3329C>T on transcript NM_032447.5 (MANE Select); coding-DNA position 3329, C replaced by T.
Protein change: p.Ala1110Val; replaces alanine 1110 with valine.
Molecular consequence: missense variant.
Genome position (GRCh38, 1-based): chr19:8,118,905, G>A on the plus strand (C>T on the coding strand, the complement: FBN3 is on the minus strand). VCF-style: chr19-8118905-G-A. GRCh37 (hg19) VCF-style: chr19-8183789-G-A.
Other names: c.3329C>T, p.Ala1110Val (NM_001321431.2); short protein forms A1110V.
Identifiers: ClinVar variation 430434 (VCV000430434.3), dbSNP rs1131691961, ClinGen allele CA403688332.

ClinVar aggregate classification (germline): Uncertain significance (1 of 4 stars; one submission).

gnomAD v4.1: 1 of 1,611,132 alleles (0.000062%); highest among the groups gnomAD compares: Non-Finnish European, 0.000085%; no homozygotes.

Submission:

GeneDx
Classification: Uncertain significance. Last evaluated: 2021-05-13. Review status: criteria provided, single submitter. Criteria: GeneDx Variant Classification Process June 2021. Collection method: clinical testing. Allele origin: germline. Affected: yes.
Comment: Not observed in large population cohorts (Lek et al., 2016); In silico analysis supports that this missense variant has a deleterious effect on protein structure/function; Has not been previously published as pathogenic or benign to our knowledge; Variants in candidate genes are classified as variants of uncertain significance in accordance with ACMG guidelines (Richards et al., 2015)